The following is an entry in ClinVar:

ClinVar aggregate classification (germline): Pathogenic/Likely pathogenic. Review status: criteria provided, multiple submitters, no conflicts (2 of 4 stars). 11 submissions from 11 submitters: Pathogenic (7); Likely pathogenic (2). 2 of the submissions do not count toward it. Last evaluated 2026-06-08.

Conditions:
ABCC6-related disorder. Also called: ABCC6-related condition.
Arterial calcification, generalized, of infancy, 2. Identifiers: Orphanet 51608, MedGen C3276161, MONDO:0013768, OMIM 614473.
Pseudoxanthoma elasticum, forme fruste. Also called: Pseudoxanthoma Elasticum, Incomplete; PSEUDOXANTHOMA ELASTICUM, HETEROZYGOUS. Identifiers: Orphanet 758, MedGen C1867450, MONDO:0008333, OMIM 177850.
Autosomal recessive inherited pseudoxanthoma elasticum (PXE). Identifiers: Orphanet 758, MedGen CN032334, MONDO:0009925, OMIM 264800.

Allele frequency attached by ClinVar (database versions not stated): gnomAD 0.00006; TOPMed 0.00007; gnomAD exomes 0.00008 and 0.00009; ExAC 0.00009.
gnomAD v4.1: 143 of 1,613,750 alleles (0.0089%); highest among the groups gnomAD compares: Non-Finnish European, 0.011%; no homozygotes.

Submissions (11):

PreventionGenetics, part of Exact Sciences
Classification: Pathogenic for ABCC6-related condition. Last evaluated: 2026-06-08. Review status: criteria provided, single submitter. Criteria: ACMG Guidelines, 2015. Collection method: clinical testing. Allele origin: germline.
Comment: The ABCC6 c.3413G>A variant is predicted to result in the amino acid substitution p.Arg1138Gln. This variant has been reported in individuals with pseudoxanthoma elasticum (PXE: Ringpfeil et al. 2000. PubMed ID: 10811882; Fabre et al. 2005. PubMed ID: 15752294; Thorsteinsson et al. 2021. PubMed ID: 33851411; Table S1, Boraldi et al. 2021. PubMed ID: 34205333; Table S1, Saeidian et al. 2021. PubMed ID: 34906475). Experimental studies indicate that this variant impacts protein cellular localization and transport activity (Le Saux et al. 2011. PubMed ID: 21935449; Pomozi et al. 2013. PubMed ID: 24352041). This variant is reported in 0.013% of alleles in individuals of European (Non-Finnish) descent in gnomAD . An alternate nucleotide change affecting the same amino acid (p.Arg1138Trp) has been reported in individuals with PXE (e.g. Table S1, Boraldi et al. 2021. PubMed ID: 34205333; S1, Saeidian et al. 2021. PubMed ID: 34906475). The c.3413G>A (p.Arg1138Gln) variant is interpreted as pathogenic.

Service of Pediatric Gastrohepatology and Metabolic Diseases, University of Medicine of Tirana
Classification: Likely pathogenic for Pseudoxanthoma elasticum, forme fruste. Last evaluated: 2026-04-29. Review status: criteria provided, single submitter. Criteria: ACMG Guidelines, 2015. Collection method: clinical testing. Allele origin: germline. Inheritance: Autosomal dominant inheritance. Affected: yes. Observed: 1 variant allele.
Comment: ABCC6 c.3413G>A was classified as Likely pathogenic using ACMG/AMP 2015 criteria (PMID:25741868). Evidence considered includes PM2 (rare/absent in population databases when reviewed), PP3 (deleterious computational prediction), and PP4 (clinical presentation consistent with ABCC6-related pseudoxanthoma elasticum, OMIM:177850); the combined evidence supports a likely pathogenic interpretation.

Labcorp Genetics (formerly Invitae), Labcorp
Classification: Pathogenic. Last evaluated: 2026-01-18. Review status: criteria provided, single submitter. Criteria: Invitae Variant Classification Sherloc (09022015). Collection method: clinical testing. Allele origin: germline.
Comment: This sequence change replaces arginine, which is basic and polar, with glutamine, which is neutral and polar, at codon 1138 of the ABCC6 protein (p.Arg1138Gln). This variant is present in population databases (rs60791294, gnomAD 0.01%). This missense change has been observed in individuals with pseudoxanthoma elasticum (PMID: 10811882, 10835642, 15459974, 15752294). ClinVar contains an entry for this variant (Variation ID: 6561). Invitae Evidence Modeling of protein sequence and biophysical properties (such as structural, functional, and spatial information, amino acid conservation, physicochemical variation, residue mobility, and thermodynamic stability) indicates that this missense variant is expected to disrupt ABCC6 protein function with a positive predictive value of 95%. Experimental studies have shown that this missense change affects ABCC6 function (PMID: 24352041). For these reasons, this variant has been classified as Pathogenic.

Institute of Human Genetics, University of Leipzig Medical Center
Classification: Pathogenic for Autosomal recessive inherited pseudoxanthoma elasticum. Last evaluated: 2024-09-04. Review status: criteria provided, single submitter. Criteria: ACMG Guidelines, 2015. Collection method: clinical testing. Allele origin: unknown. Inheritance: Autosomal recessive inheritance. Affected: yes.
Comment: Criteria applied: PM1,PM2,PM3,PM5,PP3,PP4; Identified as compund heterozygous with NM_001171.6:c.3421C>T

Blueprint Genetics
Classification: Pathogenic for ABCC6-related disorders. Last evaluated: 2024-04-17. Review status: criteria provided, single submitter. Criteria: ACMG Guidelines, 2015. Collection method: clinical testing. Allele origin: germline. Affected: yes. Observed: 5 variant alleles.

Fulgent Genetics
Classification: Pathogenic for Pseudoxanthoma elasticum, forme fruste; Autosomal recessive inherited pseudoxanthoma elasticum; Arterial calcification, generalized, of infancy, 2. Last evaluated: 2024-02-27. Review status: criteria provided, single submitter. Criteria: ACMG Guidelines, 2015. Collection method: clinical testing. Allele origin: germline.

Department of Pathology and Laboratory Medicine, Sinai Health System
Classification: Likely pathogenic for autosomal recessive inherited pseudoxanthoma elasticum. Last evaluated: 2023-05-02. Review status: criteria provided, single submitter. Criteria: ACMG Guidelines, 2015. Collection method: research. Allele origin: germline.

Clinical Genetics Laboratory, Skane University Hospital Lund
Classification: Pathogenic. Last evaluated: 2022-07-13. Review status: criteria provided, single submitter. Criteria: ACMG Guidelines, 2015. Collection method: clinical testing. Allele origin: germline. Affected: yes.

Eurofins Ntd Llc (ga)
Classification: Pathogenic. Last evaluated: 2018-01-05. Review status: criteria provided, single submitter. Criteria: EGL Classification Definitions 2015. Collection method: clinical testing. Allele origin: germline. Observed: 1 variant allele, 1 heterozygote.

PXE International
Classification: Pathogenic for Autosomal recessive inherited pseudoxanthoma elasticum. Last evaluated: 2021-03-01. Review status: no assertion criteria provided. Collection method: research. Allele origin: germline. Inheritance: Autosomal recessive inheritance. Affected: yes. Observed: 19 variant alleles. Clinical features observed: Angioid streaks (HP:0001102), Papule (HP:0200034), Skin plaque (HP:0200035), Intermittent claudication (HP:0004417), Retinal hemorrhage (HP:0000573), Vascular surgery, Kidney stone (HP:0000787), Abnormally lax or hyperextensible skin (HP:0008067), Angina pectoris (HP:0001681), Abnormal EKG (HP:0003115), Weak or absent arterial pulse, Gastrointestinal hemorrhage (HP:0002239). Not counted in ClinVar's aggregate classification.

OMIM
Classification: Pathogenic for PSEUDOXANTHOMA ELASTICUM. Last evaluated: 2000-05-23. Review status: no assertion criteria provided. Collection method: literature only. Allele origin: germline. Not counted in ClinVar's aggregate classification.

Literature cited by the submitters: PubMed 10811882 (cited by Labcorp Genetics (formerly Invitae), Labcorp and OMIM); PubMed 10835642 (cited by Labcorp Genetics (formerly Invitae), Labcorp); PubMed 15459974 (cited by Labcorp Genetics (formerly Invitae), Labcorp); PubMed 15752294 (cited by Labcorp Genetics (formerly Invitae), Labcorp); PubMed 24352041 (cited by Labcorp Genetics (formerly Invitae), Labcorp); PubMed 32873932 (cited by PXE International); PubMed 28102862 (cited by OMIM).

NM_001171.6(ABCC6):c.3413G>A (p.Arg1138Gln)

Gene: ABCC6 (ATP binding cassette subfamily C member 6; minus strand). Cytogenetic location: 16p13.11.
Variant type: single nucleotide variant.
Coding change: c.3413G>A on transcript NM_001171.6 (MANE Select); coding-DNA position 3413, G replaced by A.
Protein change: p.Arg1138Gln; replaces arginine 1138 with glutamine.
Molecular consequence: missense variant.
Genome position (GRCh38, 1-based): chr16:16,163,086, C>T on the plus strand (G>A on the coding strand, the complement: ABCC6 is on the minus strand). VCF-style: chr16-16163086-C-T. GRCh37 (hg19) VCF-style: chr16-16256943-C-T.
Other names: c.3071G>A, p.Arg1024Gln (NM_001351800.1); short protein forms R1138Q, R1024Q.
Identifiers: ClinVar variation 6561 (VCV000006561.19), dbSNP rs60791294, ClinGen allele CA281565.